The following is an entry in ClinVar:

NM_005142.3(CBLIF):c.346C>T (p.Gln116Ter)

Gene: CBLIF (cobalamin binding intrinsic factor; minus strand). Cytogenetic location: 11q12.1.
Variant type: single nucleotide variant.
Coding change: c.346C>T on transcript NM_005142.3 (MANE Select); coding-DNA position 346, C replaced by T.
Protein change: p.Gln116Ter; replaces glutamine 116 with a stop codon.
Molecular consequence: nonsense.
Genome position (GRCh38, 1-based): chr11:59,843,052, G>A on the plus strand (C>T on the coding strand, the complement: CBLIF is on the minus strand). VCF-style: chr11-59843052-G-A. GRCh37 (hg19) VCF-style: chr11-59610525-G-A.
Other names: short protein forms Q116*.
Identifiers: ClinVar variation 208191 (VCV000208191.29), dbSNP rs796064508, ClinGen allele CA204386.
Genomic context (GRCh38, chr11:59,843,052, plus strand): 5'-TGCCTGACTCTTTTCTCCCTTCCAGTCAGGTCTTACTGGAAGGTGCCCAGTTCTCCATTT[G>A]TCTTTGTAGAATGGATACTTTATCCCCAGGGTCTCGGCAGGAGGAGGTGAGGGCCATGAT-3'

ClinVar aggregate classification (germline): Pathogenic. Review status: criteria provided, single submitter (1 of 4 stars). 2 submissions from 2 submitters: Pathogenic (1). 1 of the submissions does not count toward it. Last evaluated 2023-08-01.

Conditions:
Hereditary intrinsic factor deficiency (IFD). Also called: Congenital intrinsic factor deficiency; PERNICIOUS ANEMIA, CONGENITAL, DUE TO DEFECT OF INTRINSIC FACTOR. Identifiers: Orphanet 332, MedGen C2062370, MONDO:0009852, OMIM 261000.

gnomAD v4.1: 2 of 1,608,336 alleles (0.00012%); highest among the groups gnomAD compares: Non-Finnish European, 0.00017%; no homozygotes.

Submissions (2):

CeGaT Center for Human Genetics Tuebingen
Classification: Pathogenic. Last evaluated: 2023-08-01. Review status: criteria provided, single submitter. Criteria: CeGaT Center For Human Genetics Tuebingen Variant Classification Criteria Version 2. Collection method: clinical testing. Allele origin: germline. Affected: yes. Observed: 5 variant alleles.
Comment: CBLIF: PVS1, PM2

Inserm U 954, Faculté de Médecine de Nancy
No classification provided. Condition: Intrinsic factor deficiency. Review status: no classification provided. Collection method: not provided. Allele origin: unknown. Not counted in ClinVar's aggregate classification.